The following is an entry in ClinVar:

NM_016122.3(CEP83):c.712A>G (p.Lys238Glu)

Gene: CEP83 (centrosomal protein 83; minus strand). Cytogenetic location: 12q22.
Variant type: single nucleotide variant.
Coding change: c.712A>G on transcript NM_016122.3 (MANE Select); coding-DNA position 712, A replaced by G.
Protein change: p.Lys238Glu; replaces lysine 238 with glutamic acid.
Molecular consequence: missense variant. On other transcripts: non-coding transcript variant (3).
Genome position (GRCh38, 1-based): chr12:94,378,880, T>C on the plus strand (A>G on the coding strand, the complement: CEP83 is on the minus strand). VCF-style: chr12-94378880-T-C. GRCh37 (hg19) VCF-style: chr12-94772656-T-C.
Other names: c.712A>G, p.Lys238Glu (NM_001042399.2, NM_001346457.2, NM_001346460.2 and 3 more transcripts); c.400A>G, p.Lys134Glu (NM_001346458.2, NM_001346459.2, NM_001346462.2 and 2 more transcripts); c.487A>G, p.Lys163Glu (NM_001368041.1); c.175A>G, p.Lys59Glu (NM_001368042.1); short protein forms K134E, K163E, K238E, K59E.
Identifiers: ClinVar variation 1005895 (VCV001005895.8), dbSNP rs777216890, ClinGen allele CA6721860.

ClinVar aggregate classification (germline): Uncertain significance (1 of 4 stars; one submission).

Conditions:
Nephronophthisis 18 (NPHP18). Identifiers: Orphanet 655, MedGen C3890591, MONDO:0014374, OMIM 615862.

Allele frequency attached by ClinVar (database versions not stated): gnomAD exomes below 0.00001; ExAC 0.00001.
gnomAD v4.1: 1 of 1,614,092 alleles (0.000062%); highest among the groups gnomAD compares: Non-Finnish European, 0.000085%; no homozygotes.

Submission:

Labcorp Genetics (formerly Invitae), Labcorp
Classification: Uncertain significance for Nephronophthisis 18. Last evaluated: 2022-03-10. Review status: criteria provided, single submitter. Criteria: Invitae Variant Classification Sherloc (09022015). Collection method: clinical testing. Allele origin: germline.
Comment: In summary, the available evidence is currently insufficient to determine the role of this variant in disease. Therefore, it has been classified as a Variant of Uncertain Significance. Algorithms developed to predict the effect of missense changes on protein structure and function are either unavailable or do not agree on the potential impact of this missense change (SIFT: "Not Available"; PolyPhen-2: "Benign"; Align-GVGD: "Not Available"). ClinVar contains an entry for this variant (Variation ID: 1005895). This missense change has been observed in individual(s) with clinical features of CEP83-related conditions (Invitae). In at least one individual the data is consistent with being in trans (on the opposite chromosome) from a pathogenic variant. This variant is present in population databases (rs777216890, gnomAD 0.0009%). This sequence change replaces lysine, which is basic and polar, with glutamic acid, which is acidic and polar, at codon 238 of the CEP83 protein (p.Lys238Glu).